The following is an entry in ClinVar:

NM_004068.4(AP2M1):c.1069C>T (p.Arg357Cys)

Gene: AP2M1 (adaptor related protein complex 2 subunit mu 1; plus strand). Cytogenetic location: 3q27.1.
Variant type: single nucleotide variant.
Coding change: c.1069C>T on transcript NM_004068.4 (MANE Select); coding-DNA position 1069, C replaced by T.
Protein change: p.Arg357Cys; replaces arginine 357 with cysteine.
Molecular consequence: missense variant.
Genome position (GRCh38, 1-based): chr3:184,182,764, C>T. VCF-style: chr3-184182764-C-T. GRCh37 (hg19) VCF-style: chr3-183900552-C-T.
Other names: c.1063C>T, p.Arg355Cys (NM_001025205.2); c.1144C>T, p.Arg382Cys (NM_001311198.2); short protein forms R355C, R357C, R382C.
Identifiers: ClinVar variation 5020149 (VCV005020149.1).
Genomic context (GRCh38, chr3:184,182,764, plus strand): 5'-CCTTGAAACTCCTCCAAGCCCCAATGGGCTGCCCATTGTCCCTGTGTTCCCAGGATCAAG[C>T]GCATGGCAGGCATGAAGGAATCGCAGATCAGCGCAGAGATTGAGCTTCTGCCTACCAACG-3'
Protein context (NP_004059.2, residues 347-367): SENAIVWKIK[Arg357Cys]MAGMKESQIS

ClinVar aggregate classification (germline): Uncertain significance (1 of 4 stars; one submission).

gnomAD v4.1: 1 of 1,613,794 alleles (0.000062%); highest among the groups gnomAD compares: Non-Finnish European, 0.000085%; no homozygotes.

Submission:

Dasa
Classification: Uncertain significance. Last evaluated: 2026-07-23. Review status: criteria provided, single submitter. Criteria: DASA Assertion Criteria. Collection method: clinical testing. Allele origin: germline.
Comment: NM_004068.4(AP2M1):c.1069C>T (p.Arg357Cys) is a missense variant that results in the substitution of arginine with cysteine. This variant is rare in population databases. The currently available literature and clinical evidence are not sufficient to establish a definitive association between this variant and the reported condition. Therefore, this variant is classified as a variant of uncertain significance.